The following is an entry in ClinVar:

NM_033380.3(COL4A5):c.2244+9C>T

Gene: COL4A5 (collagen type IV alpha 5 chain; plus strand). Cytogenetic location: Xq22.3.
Variant type: single nucleotide variant.
Coding change: c.2244+9C>T on transcript NM_033380.3 (MANE Select); 9 bases into the intron after coding-DNA position 2244, C replaced by T.
Molecular consequence: intron variant.
Genome position (GRCh38, 1-based): chrX:108,603,070, C>T. VCF-style: chrX-108603070-C-T. GRCh37 (hg19) VCF-style: chrX-107846300-C-T.
Other names: c.2244+9C>T (NM_000495.5, NM_000495.4).
Identifiers: ClinVar variation 1170678 (VCV001170678.12), dbSNP rs759349551, ClinGen allele CA10488874.

ClinVar aggregate classification (germline): Benign/Likely benign. Review status: criteria provided, multiple submitters, no conflicts (2 of 4 stars). 3 submissions from 3 submitters: Benign (1); Likely benign (1). 1 of the submissions does not count toward it. Last evaluated 2026-01-24.

Conditions:
X-linked Alport syndrome (ATS1). Also called: COL4A5-Related Nephropathy; NEPHROPATHY AND DEAFNESS, X-LINKED. Identifiers: Orphanet 63, Orphanet 88917, MedGen C4746986, MONDO:0010520, OMIM 301050.
COL4A5-related disorder. Also called: COL4A5-related condition.

Allele frequency attached by ClinVar (database versions not stated): gnomAD exomes 0.00008; ExAC 0.00009; 1000 Genomes Project 0.00026; gnomAD 0.00027; TOPMed 0.00033; 1000 Genomes Project 30x 0.00062.
gnomAD v4.1: 58 of 1,086,628 alleles (0.0053%); highest among the groups gnomAD compares: African/African-American, 0.088%; no homozygotes.

Submissions (3):

Labcorp Genetics (formerly Invitae), Labcorp
Classification: Benign. Last evaluated: 2026-01-24. Review status: criteria provided, single submitter. Criteria: Invitae Variant Classification Sherloc (09022015). Collection method: clinical testing. Allele origin: germline.

Fulgent Genetics
Classification: Likely benign for X-linked Alport syndrome. Last evaluated: 2021-12-23. Review status: criteria provided, single submitter. Criteria: ACMG Guidelines, 2015. Collection method: clinical testing. Allele origin: unknown.

PreventionGenetics, part of Exact Sciences
Classification: Likely benign for COL4A5-related condition. Last evaluated: 2020-05-26. Review status: no assertion criteria provided. Collection method: clinical testing. Allele origin: germline. Not counted in ClinVar's aggregate classification.
Comment: This variant is classified as likely benign based on ACMG/AMP sequence variant interpretation guidelines (Richards et al. 2015 PMID: 25741868, with internal and published modifications).